The following is an entry in ClinVar:

NM_001378969.1(KCND3):c.1519-5C>T

Gene: KCND3 (potassium voltage-gated channel subfamily D member 3; minus strand). Cytogenetic location: 1p13.2.
Variant type: single nucleotide variant.
Coding change: c.1519-5C>T on transcript NM_001378969.1 (MANE Select); 5 bases into the intron before coding-DNA position 1519, C replaced by T.
Molecular consequence: intron variant.
Genome position (GRCh38, 1-based): chr1:111,777,278, G>A on the plus strand (C>T on the coding strand, the complement: KCND3 is on the minus strand). VCF-style: chr1-111777278-G-A. GRCh37 (hg19) VCF-style: chr1-112319900-G-A.
Other names: c.1462-5C>T (NM_001378970.1, NM_172198.3); c.1519-5C>T (NM_004980.5).
Identifiers: ClinVar variation 465165 (VCV000465165.12), dbSNP rs376408039, ClinGen allele CA1007395.

ClinVar aggregate classification (germline): Conflicting classifications of pathogenicity. Review status: criteria provided, conflicting classifications (1 of 4 stars). 2 submissions from 2 submitters: Uncertain significance (1); Likely benign (1). Last evaluated 2025-07-28.

Conditions:
Cardiovascular phenotype. Identifiers: MedGen CN230736.
Spinocerebellar ataxia type 19/22 (SCA19). Also called: SPINOCEREBELLAR ATAXIA 22; SPINOCEREBELLAR ATAXIA 19. Identifiers: Orphanet 98772, MedGen C1846367, MONDO:0011819, OMIM 607346.

Allele frequency attached by ClinVar (database versions not stated): gnomAD exomes 0.00001 and 0.00002; ExAC 0.00002; gnomAD 0.00002; TOPMed 0.00004; ESP Exome Variant Server 0.00008.
gnomAD v4.1: 24 of 1,613,924 alleles (0.0015%); highest among the groups gnomAD compares: African/African-American, 0.012%; no homozygotes.

Submissions (2):

Labcorp Genetics (formerly Invitae), Labcorp
Classification: Likely benign for Spinocerebellar ataxia type 19/22. Last evaluated: 2025-07-28. Review status: criteria provided, single submitter. Criteria: Invitae Variant Classification Sherloc (09022015). Collection method: clinical testing. Allele origin: germline.

Ambry Genetics
Classification: Uncertain significance for Cardiovascular phenotype. Last evaluated: 2023-10-30. Review status: criteria provided, single submitter. Criteria: Ambry Variant Classification Scheme 2023. Collection method: clinical testing. Allele origin: germline.
Comment: The c.1519-5C>T intronic variant results from a C to T substitution 5 nucleotides upstream from coding exon 6 in the KCND3 gene. This nucleotide position is not well conserved in available vertebrate species. In silico splice site analysis predicts that this alteration will not have any significant effect on splicing. Based on data from gnomAD, the frequency for this variant is above the maximum credible frequency for a cardiac-causing variant in this gene based on internally established thresholds (Karczewski et al. Nature. 2020 May;581(7809):434-443; Whiffin et al. Genet Med. 2017 10;19:1151-1158). Based on the supporting evidence, the association of this alteration with KCND3-related spinocerebellar ataxia syndrome is unknown; however, the association of this alteration with Brugada syndrome is unlikely.